The following is an entry in ClinVar:

NM_152419.3(HGSNAT):c.1030C>T (p.Arg344Cys)

Gene: HGSNAT (heparan-alpha-glucosaminide N-acetyltransferase; plus strand). Cytogenetic location: 8p11.21.
Variant type: single nucleotide variant.
Coding change: c.1030C>T on transcript NM_152419.3 (MANE Select); coding-DNA position 1030, C replaced by T.
Protein change: p.Arg344Cys; replaces arginine 344 with cysteine.
Molecular consequence: missense variant.
Genome position (GRCh38, 1-based): chr8:43,182,162, C>T. VCF-style: chr8-43182162-C-T. GRCh37 (hg19) VCF-style: chr8-43037305-C-T.
Other names: c.1030C>T, p.Arg344Cys (NM_001363227.2); c.838C>T, p.Arg280Cys (NM_001363228.2); c.166C>T, p.Arg56Cys (NM_001363229.2); short protein forms R344C, R280C, R56C.
Identifiers: ClinVar variation 1237 (VCV000001237.29), dbSNP rs121908285, ClinGen allele CA114871.

ClinVar aggregate classification (germline): Conflicting classifications of pathogenicity. Review status: criteria provided, conflicting classifications (1 of 4 stars). 14 submissions from 14 submitters: Pathogenic (7); Uncertain significance (1). 6 of the submissions do not count toward it. Last evaluated 2025-10-15.

Conditions:
Sanfilippo syndrome. Also called: Mucopolysaccharidosis type 3; Sanfilippo disease; Mucopolysaccharidosis Type III. Identifiers: Orphanet 581, MedGen C0026706, MONDO:0018937.
Retinitis pigmentosa 73 (RP73). Identifiers: Orphanet 791, MedGen C4225287, MONDO:0014687, OMIM 616544.
Mucopolysaccharidosis, MPS-III-C (MPS3C). Also called: MPS IIIC (Sanfilippo Syndrome Type C); MUCOPOLYSACCHARIDOSIS, TYPE IIIC; SANFILIPPO SYNDROME C; Mucopolysaccharidosis type IIIC (Sanfilippo C); MPS III C; mucopolysaccharidosis type 3C. Identifiers: Orphanet 581, Orphanet 79271, MedGen C0086649, MONDO:0009657, OMIM 252930.
Retinal dystrophy. Also called: Inherited retinal dystrophy. Identifiers: Orphanet 71862, MedGen C0854723, MeSH D058499, MONDO:0019118, HP:0000556.
Mucopolysaccharidosis. Also called: Mucopolysaccharidoses. Identifiers: Orphanet 79213, MedGen C0026703, MeSH D009083, MONDO:0019249.

Allele frequency attached by ClinVar (database versions not stated): ExAC 0.00001; TOPMed 0.00002; gnomAD exomes 0.00001; gnomAD 0.00001.
gnomAD v4.1: 26 of 1,613,678 alleles (0.0016%); highest among the groups gnomAD compares: Middle Eastern, 0.016%; no homozygotes.

Submissions (14):

Labcorp Genetics (formerly Invitae), Labcorp
Classification: Pathogenic for Retinitis pigmentosa 73; Mucopolysaccharidosis, MPS-III-C. Last evaluated: 2025-10-15. Review status: criteria provided, single submitter. Criteria: Invitae Variant Classification Sherloc (09022015). Collection method: clinical testing. Allele origin: germline.
Comment: This sequence change replaces arginine, which is basic and polar, with cysteine, which is neutral and slightly polar, at codon 344 of the HGSNAT protein (p.Arg344Cys). This variant is present in population databases (rs121908285, gnomAD 0.003%). This missense change has been observed in individuals with MPS IIIC (PMID: 17033958, 18024218). ClinVar contains an entry for this variant (Variation ID: 1237). Invitae Evidence Modeling of protein sequence and biophysical properties (such as structural, functional, and spatial information, amino acid conservation, physicochemical variation, residue mobility, and thermodynamic stability) indicates that this missense variant is expected to disrupt HGSNAT protein function with a positive predictive value of 80%. Experimental studies have shown that this missense change affects HGSNAT function (PMID: 19823584, 20583299, 20825431). This variant disrupts the p.Arg344 amino acid residue in HGSNAT. Other variant(s) that disrupt this residue have been observed in individuals with HGSNAT-related conditions (PMID: 17033958, 18024218), which suggests that this may be a clinically significant amino acid residue. For these reasons, this variant has been classified as Pathogenic.

Natera, Inc.
Classification: Pathogenic for Mucopolysaccharidosis type IIIC. Last evaluated: 2025-06-24. Review status: criteria provided, single submitter. Criteria: Natera Variant Classification Schema (03/2026). Collection method: clinical testing. Allele origin: germline.
Comment: The c.1030C>T variant in HGSNAT is a missense variant predicted to cause substitution of arginine to cysteine at amino acid 344. This variant is rare in the general population with a frequency below the threshold expected for the associated phenotype(s). This variant has been observed in one or more individuals affected with the associated recessive disease, as either homozygous or compound heterozygous with a second variant (PMID: 18024218). Functional studies show that this variant may disrupt protein function (PMID: 20825431, 20583299, 19823584). A different variant at the same position has been determined to be Pathogenic or Likely Pathogenic. Computational prediction algorithms indicate this variant is likely to affect gene or protein function. Given the available evidence, this variant is classified as Pathogenic.

Myriad Genetics, Inc.
Classification: Pathogenic for Mucopolysaccharidosis, MPS-III-C. Last evaluated: 2025-04-17. Review status: criteria provided, single submitter. Criteria: Myriad Autosomal Dominant, Autosomal Recessive and X-Linked Classification Criteria (2023). Collection method: clinical testing. Allele origin: unknown.
Comment: NM_152419.2(HGSNAT):c.1030C>T(R344C) is a missense variant classified as pathogenic in the context of mucopolysaccharidosis type IIIC. R344C has been observed in cases with relevant disease (PMID: 18024218. 17033958, 31319225). Relevant functional assessments of this variant are available in the literature (PMID: 19823585, 20583299). R344C has been observed in referenced population frequency databases. In summary, NM_152419.2(HGSNAT):c.1030C>T(R344C) is a missense variant that has functional support for pathogenicity and has been observed more frequently in cases with the relevant disease than in healthy populations. Please note: this variant was assessed in the context of healthy population screening.

Dept Of Ophthalmology, Nagoya University
Classification: Uncertain significance for Retinal dystrophy. Last evaluated: 2023-10-01. Review status: criteria provided, single submitter. Criteria: Submitter's publication. Collection method: research. Allele origin: germline. Affected: yes.

Women's Health and Genetics/Laboratory Corporation of America, LabCorp
Classification: Pathogenic for Sanfilippo syndrome. Last evaluated: 2023-01-23. Review status: criteria provided, single submitter. Criteria: LabCorp Variant Classification Summary - May 2015. Collection method: clinical testing. Allele origin: germline.
Comment: Variant summary: HGSNAT c.1030C>T (p.Arg344Cys) results in a non-conservative amino acid change in the encoded protein sequence. Five of five in-silico tools predict a damaging effect of the variant on protein function. The variant allele was found at a frequency of 1.2e-05 in 249274 control chromosomes. c.1030C>T has been reported in the literature as a biallelic homozygous or compound heterozygous genotype in multiple individuals affected with Mucopolysaccharidosis Type IIIC (Sanfilippo Syndrome C) (example, PMID: 18024218). These data indicate that the variant is very likely to be associated with disease. At least one publication reports experimental evidence evaluating an impact on protein function (example, PMID: 19823584). The most pronounced variant effect results in approximately 10% of normal heparan sulfate acetyl-CoA: alpha-glucosaminide N-acetyltransferase (HGSNAT) activity in-vitro. Four clinical diagnostic laboratories have submitted clinical-significance assessments for this variant to ClinVar after 2014 without evidence for independent evaluation. All laboratories classified the variant as pathogenic/likely pathogenic. Based on the evidence outlined above, the variant was classified as pathogenic.

Revvity Omics, Revvity
Classification: Pathogenic. Last evaluated: 2022-06-17. Review status: criteria provided, single submitter. Criteria: ACMG Guidelines, 2015. Collection method: clinical testing. Allele origin: germline.

Fulgent Genetics
Classification: Pathogenic for Mucopolysaccharidosis, MPS-III-C; Retinitis pigmentosa 73. Last evaluated: 2022-05-19. Review status: criteria provided, single submitter. Criteria: ACMG Guidelines, 2015. Collection method: clinical testing. Allele origin: unknown.

Juno Genomics, Hangzhou Juno Genomics, Inc
Classification: Pathogenic for Mucopolysaccharidosis, MPS-III-C; Retinitis pigmentosa 73. Review status: criteria provided, single submitter. Criteria: ACMG Guidelines, 2015. Collection method: clinical testing. Allele origin: germline. Affected: yes.
Comment: For recessive disorders, detected in trans with a pathogenic variant.;Well-established in vitro or in vivo functional studies supportive of a damaging effect on the gene or gene product.;Absent from controls (or at extremely low frequency if recessive) in Genome Aggregation Database, Exome Sequencing Project, 1000 Genomes Project, or Exome Aggregation Consortium.;Patient's phenotype or family history is highly specific for a disease with a single genetic etiology.

Counsyl
Classification: Likely pathogenic for Mucopolysaccharidosis, MPS-III-C. Last evaluated: 2017-09-20. Review status: no assertion criteria provided. Collection method: clinical testing. Allele origin: unknown. Not counted in ClinVar's aggregate classification.

OMIM
Classification: Pathogenic for MUCOPOLYSACCHARIDOSIS, TYPE IIIC. Last evaluated: 2011-10-01. Review status: no assertion criteria provided. Collection method: literature only. Allele origin: germline. Not counted in ClinVar's aggregate classification.

Clinical Genetics DNA and cytogenetics Diagnostics Lab, Erasmus MC, Erasmus Medical Center
Classification: Pathogenic. Review status: no assertion criteria provided. Collection method: clinical testing. Allele origin: germline. Affected: yes. Study: VKGL Data-share Consensus. Not counted in ClinVar's aggregate classification.

Clinical Genetics, Academic Medical Center
Classification: Pathogenic. Review status: no assertion criteria provided. Collection method: clinical testing. Allele origin: germline. Affected: yes. Study: VKGL Data-share Consensus. Not counted in ClinVar's aggregate classification.

GeneReviews
No classification provided. Condition: Mucopolysaccharidosis. Review status: no classification provided. Collection method: literature only. Allele origin: germline. Not counted in ClinVar's aggregate classification.

Joint Genome Diagnostic Labs from Nijmegen and Maastricht, Radboudumc and MUMC+
Classification: Pathogenic. Review status: no assertion criteria provided. Collection method: clinical testing. Allele origin: germline. Affected: yes. Study: VKGL Data-share Consensus. Not counted in ClinVar's aggregate classification.

Literature cited by the submitters: PubMed 17033958 (cited by Labcorp Genetics (formerly Invitae), Labcorp and Counsyl); PubMed 18024218 (cited by 6 submitters); PubMed 19823584 (cited by 4 submitters); PubMed 20583299 (cited by 4 submitters); PubMed 20825431 (cited by 4 submitters); PubMed 19823585 (cited by Myriad Genetics, Inc.); PubMed 19479962 (cited by OMIM); PubMed 31536183 (cited by GeneReviews).